The following is an entry in ClinVar:

ClinVar aggregate classification (germline): Uncertain significance (1 of 4 stars; one submission).

Conditions:
Hereditary cancer-predisposing syndrome. Also called: Neoplastic Syndromes, Hereditary; Tumor predisposition; Hereditary neoplastic syndrome; Hereditary Cancer Syndrome. Identifiers: Orphanet 140162, MedGen C0027672, MeSH D009386, MONDO:0015356.

Submission:

Ambry Genetics
Classification: Uncertain significance for Hereditary cancer-predisposing syndrome. Last evaluated: 2023-02-04. Review status: criteria provided, single submitter. Criteria: Ambry Variant Classification Scheme 2023. Collection method: clinical testing. Allele origin: germline.
Comment: The p.S533T variant (also known as c.1597T>A), located in coding exon 14 of the MRE11A gene, results from a T to A substitution at nucleotide position 1597. The serine at codon 533 is replaced by threonine, an amino acid with similar properties. This amino acid position is conserved. In addition, this alteration is predicted to be tolerated by in silico analysis. Since supporting evidence is limited at this time, the clinical significance of this alteration remains unclear.

NM_005591.4(MRE11):c.1597T>A (p.Ser533Thr)

Gene: MRE11 (MRE11 double strand break repair nuclease; minus strand). Cytogenetic location: 11q21.
Variant type: single nucleotide variant.
Coding change: c.1597T>A on transcript NM_005591.4 (MANE Select); coding-DNA position 1597, T replaced by A.
Protein change: p.Ser533Thr; replaces serine 533 with threonine.
Molecular consequence: missense variant.
Genome position (GRCh38, 1-based): chr11:94,447,405, A>T on the plus strand (T>A on the coding strand, the complement: MRE11 is on the minus strand). VCF-style: chr11-94447405-A-T. GRCh37 (hg19) VCF-style: chr11-94180571-A-T.
Other names: c.1597T>A, p.Ser533Thr (NM_001330347.2, NM_005590.4); short protein forms S533T.
Identifiers: ClinVar variation 2451373 (VCV002451373.2), dbSNP rs2134909438, ClinGen allele CA382368701.
Genomic context (GRCh38, chr11:94,447,405, plus strand): 5'-GTTCTGCTAAATCTATACTCATAAGGTCATCAGCACTAAAGGCAGAAGCAGACTCCTCTG[A>T]CTGAGATCTGAGTGCTCTGGCCCTGGTCATAGCCTAAGAGGGAGAAGAAGGAGAAAGTAC-3'
Protein context (NP_005582.1, residues 523-543): MTRARALRSQ[Ser533Thr]EESASAFSAD